The following is an entry in ClinVar:

NM_004281.4(BAG3):c.590G>A (p.Gly197Asp)

Gene: BAG3 (BAG cochaperone 3; plus strand). Cytogenetic location: 10q26.11.
Variant type: single nucleotide variant.
Coding change: c.590G>A on transcript NM_004281.4 (MANE Select); coding-DNA position 590, G replaced by A.
Protein change: p.Gly197Asp; replaces glycine 197 with aspartic acid.
Molecular consequence: missense variant.
Genome position (GRCh38, 1-based): chr10:119,672,337, G>A. VCF-style: chr10-119672337-G-A. GRCh37 (hg19) VCF-style: chr10-121431849-G-A.
Other names: short protein forms G197D.
Identifiers: ClinVar variation 2936392 (VCV002936392.3), dbSNP rs755969300, ClinGen allele CA5716374.

ClinVar aggregate classification (germline): Uncertain significance (1 of 4 stars; one submission).

Conditions:
Myofibrillar myopathy 6. Identifiers: Orphanet 199340, MedGen C2751831, MONDO:0013061, OMIM 612954.
Dilated cardiomyopathy 1HH (CMD1HH). Identifiers: Orphanet 154, MedGen C3151293, MONDO:0013479, OMIM 613881.

Allele frequency attached by ClinVar (database versions not stated): gnomAD exomes below 0.00001; TOPMed below 0.00001; ExAC 0.00001.
gnomAD v4.1: 1 of 1,614,042 alleles (0.000062%); highest among the groups gnomAD compares: Non-Finnish European, 0.000085%; no homozygotes.

Submission:

Labcorp Genetics (formerly Invitae), Labcorp
Classification: Uncertain significance for Dilated cardiomyopathy 1HH; Myofibrillar myopathy 6. Last evaluated: 2023-06-21. Review status: criteria provided, single submitter. Criteria: Invitae Variant Classification Sherloc (09022015). Collection method: clinical testing. Allele origin: germline.
Comment: This sequence change replaces glycine, which is neutral and non-polar, with aspartic acid, which is acidic and polar, at codon 197 of the BAG3 protein (p.Gly197Asp). This variant is present in population databases (rs755969300, gnomAD 0.006%). This variant has not been reported in the literature in individuals affected with BAG3-related conditions. Advanced modeling of protein sequence and biophysical properties (such as structural, functional, and spatial information, amino acid conservation, physicochemical variation, residue mobility, and thermodynamic stability) performed at Invitae indicates that this missense variant is not expected to disrupt BAG3 protein function. In summary, the available evidence is currently insufficient to determine the role of this variant in disease. Therefore, it has been classified as a Variant of Uncertain Significance.